The following is an entry in ClinVar:

ClinVar aggregate classification (germline): Uncertain significance (1 of 4 stars; one submission).

gnomAD v4.1: 7 of 1,613,904 alleles (0.00043%); highest among the groups gnomAD compares: Admixed American, 0.0033%; no homozygotes.

Submission:

Labcorp Genetics (formerly Invitae), Labcorp
Classification: Uncertain significance. Last evaluated: 2024-05-02. Review status: criteria provided, single submitter. Criteria: Invitae Variant Classification Sherloc (09022015). Collection method: clinical testing. Allele origin: germline.
Comment: This sequence change replaces aspartic acid, which is acidic and polar, with tyrosine, which is neutral and polar, at codon 175 of the EIF2AK2 protein (p.Asp175Tyr). This variant is present in population databases (no rsID available, gnomAD 0.0009%). This variant has not been reported in the literature in individuals affected with EIF2AK2-related conditions. An algorithm developed to predict the effect of missense changes on protein structure and function (PolyPhen-2) suggests that this variant is likely to be disruptive. Algorithms developed to predict the effect of sequence changes on RNA splicing suggest that this variant may disrupt the consensus splice site. In summary, the available evidence is currently insufficient to determine the role of this variant in disease. Therefore, it has been classified as a Variant of Uncertain Significance.

NM_001135651.3(EIF2AK2):c.523G>T (p.Asp175Tyr)

Gene: EIF2AK2 (eukaryotic translation initiation factor 2 alpha kinase 2; minus strand). Cytogenetic location: 2p22.2.
Variant type: single nucleotide variant.
Coding change: c.523G>T on transcript NM_001135651.3 (MANE Select); coding-DNA position 523, G replaced by T.
Protein change: p.Asp175Tyr; replaces aspartic acid 175 with tyrosine.
Molecular consequence: missense variant.
Genome position (GRCh38, 1-based): chr2:37,138,579, C>A on the plus strand (G>T on the coding strand, the complement: EIF2AK2 is on the minus strand). VCF-style: chr2-37138579-C-A. GRCh37 (hg19) VCF-style: chr2-37365722-C-A.
Other names: c.523G>T, p.Asp175Tyr (NM_001135652.3, NM_002759.4); short protein forms D175Y.
Identifiers: ClinVar variation 3674921 (VCV003674921.2).